The following is an entry in ClinVar:

NM_007294.4(BRCA1):c.1817del (p.Pro606fs)

Gene: BRCA1 (BRCA1 DNA repair associated; minus strand). Cytogenetic location: 17q21.31.
Variant type: Deletion.
Coding change: c.1817del on transcript NM_007294.4 (MANE Select); coding-DNA position 1817, one base deleted (C; older notation c.1817delC).
Protein change: p.Pro606fs; shifts the reading frame from proline 606.
Molecular consequence: frameshift variant. On other transcripts: intron variant (137).
Genome position (GRCh38, 1-based): chr17:43,093,714, G deleted on the plus strand (C on the coding strand, the reverse complement: BRCA1 is on the minus strand); the first of 2 consecutive G bases (chr17:43,093,714-43,093,715); deleting either gives the same sequence. VCF-style (leftmost placement, unchanged base first): chr17-43093713-AG-A. GRCh37 (hg19) VCF-style: chr17-41245730-AG-A.
Other names: c.1817delC (NM_007294.3); c.1676del, p.Pro559fs (NM_001407735.1, NM_001407736.1, NM_001407737.1 and 29 more transcripts); c.1673del, p.Pro558fs (NM_001407740.1, NM_001407741.1, NM_001407742.1 and 20 more transcripts); c.1604del, p.Pro535fs (NM_001407853.1, NM_001407894.1, NM_001407895.1 and 9 more transcripts); c.1817del, p.Pro606fs (NM_001407854.1, NM_001407858.1, NM_001407859.1 and 30 more transcripts); c.1814del, p.Pro605fs (NM_001407860.1, NM_001407861.1, NM_001407587.1 and 22 more transcripts); c.1616del, p.Pro539fs (NM_001407862.1); c.1694del, p.Pro565fs (NM_001407863.1, NM_001407919.1, NM_001407937.1 and 19 more transcripts); and 41 more; short protein forms P559fs, P606fs, P310fs, P495fs, P517fs, P538fs, P603fs, P535fs.
Identifiers: ClinVar variation 54357 (VCV000054357.7), dbSNP rs397508910, ClinGen allele CA001177.

ClinVar aggregate classification (germline): Pathogenic. Review status: reviewed by expert panel (3 of 4 stars). 4 submissions from 4 submitters: Pathogenic (1). 3 of the submissions do not count toward it. Last evaluated 2017-12-15.

Conditions:
Hereditary cancer-predisposing syndrome. Also called: Tumor predisposition; Neoplastic Syndromes, Hereditary; Hereditary Cancer Syndrome; Hereditary neoplastic syndrome. Identifiers: Orphanet 140162, MedGen C0027672, MeSH D009386, MONDO:0015356.
Hereditary breast ovarian cancer syndrome. Also called: Hereditary breast and ovarian cancer syndrome (HBOC); Hereditary breast and ovarian cancer syndrome; Hereditary breast and ovarian cancer; Hereditary breast and/or ovarian cancer syndrome; Breast and ovarian cancer; BRCA1- and BRCA2-Associated Hereditary Breast and Ovarian Cancer. Identifiers: Orphanet 145, MedGen C0677776, MeSH D061325, MONDO:0003582. Disease mechanism: loss of function.
Breast-ovarian cancer, familial, susceptibility to, 1 (BROVCA1). Also called: OVARIAN CANCER, SUSCEPTIBILITY TO; BRCA1 Hereditary Breast and Ovarian Cancer. Identifiers: Orphanet 145, MedGen C2676676, MONDO:0011450, OMIM 604370. Disease mechanism: loss of function.
Familial cancer of breast. Also called: Hereditary breast cancer; hereditary breast carcinoma; BREAST CANCER, FAMILIAL. Identifiers: Orphanet 227535, MedGen C0346153, MONDO:0016419, OMIM 114480. Disease mechanism: loss of function.

Submissions (4):

Evidence-based Network for the Interpretation of Germline Mutant Alleles (ENIGMA)
Classification: Pathogenic for Breast-ovarian cancer, familial, susceptibility to, 1. Last evaluated: 2017-12-15. Review status: reviewed by expert panel. Criteria: ENIGMA BRCA1/2 Classification Criteria (2017-06-29). Collection method: curation. Allele origin: germline. Study: ENIGMA.
Comment: Variant allele predicted to encode a truncated non-functional protein.

Labcorp Genetics (formerly Invitae), Labcorp
Classification: Pathogenic for Hereditary breast ovarian cancer syndrome. Last evaluated: 2023-10-04. Review status: criteria provided, single submitter. Criteria: Invitae Variant Classification Sherloc (09022015). Collection method: clinical testing. Allele origin: germline. Not counted in ClinVar's aggregate classification.
Comment: This sequence change creates a premature translational stop signal (p.Pro606Leufs*6) in the BRCA1 gene. It is expected to result in an absent or disrupted protein product. Loss-of-function variants in BRCA1 are known to be pathogenic (PMID: 20104584). This variant is not present in population databases (gnomAD no frequency). This premature translational stop signal has been observed in individual(s) with breast cancer (PMID: 18645608). ClinVar contains an entry for this variant (Variation ID: 54357). For these reasons, this variant has been classified as Pathogenic.

Color Diagnostics, LLC DBA Color Health
Classification: Pathogenic for Hereditary cancer-predisposing syndrome. Last evaluated: 2022-08-08. Review status: criteria provided, single submitter. Criteria: ACMG Guidelines, 2015. Collection method: clinical testing. Allele origin: germline. Not counted in ClinVar's aggregate classification.
Comment: This variant deletes 1 nucleotide in exon 10 of the BRCA1 gene, creating a frameshift and premature translation stop signal. This variant is expected to result in an absent or non-functional protein product. This variant has been reported in two individuals affected with early-onset breast cancer and an individual affected with ovarian cancer (PMID: 18645608, 26997744, 34072659). This variant has not been identified in the general population by the Genome Aggregation Database (gnomAD). Loss of BRCA1 function is a known mechanism of disease. Based on the available evidence, this variant is classified as Pathogenic.

ClinVar Staff, National Center for Biotechnology Information (NCBI)
No classification provided. Condition: Familial cancer of breast. Review status: no classification provided. Collection method: literature only. Allele origin: germline. Affected: yes. Not counted in ClinVar's aggregate classification.

Literature cited by the submitters: PubMed 20104584 (cited by Labcorp Genetics (formerly Invitae), Labcorp); PubMed 18645608 (cited by 3 submitters); PubMed 26997744 (cited by Color Diagnostics, LLC DBA Color Health); PubMed 34072659 (cited by Color Diagnostics, LLC DBA Color Health).